The following is an entry in ClinVar:

ClinVar aggregate classification (germline): Conflicting classifications of pathogenicity. Review status: criteria provided, conflicting classifications (1 of 4 stars). 4 submissions from 4 submitters: Likely pathogenic (3); Uncertain significance (1). Last evaluated 2025-09-10.

Conditions:
Episodic kinesigenic dyskinesia 1 (EKD1). Also called: DYSTONIA, FAMILIAL PAROXYSMAL; PxMD-PRRT2; PAROXYSMAL KINESIGENIC CHOREOATHETOSIS; Dystonia 10; PRRT2-Related Paroxysmal Kinesigenic Dyskinesia (PKD). Identifiers: Orphanet 98809, MedGen C4552000, MONDO:0100352, OMIM 128200, MONDO:0007494.
Hypertriglyceridemia 1. Also called: Hypertriglyceridemia, familial. Identifiers: MedGen C5444012, MONDO:0007788, OMIM 145750.

Allele frequency attached by ClinVar (database versions not stated): TOPMed 0.00005; gnomAD 0.00002; ExAC 0.00007.
gnomAD v4.1: 51 of 1,608,378 alleles (0.0032%); highest among the groups gnomAD compares: Middle Eastern, 0.083%; no homozygotes.

Submissions (4):

Genomic Medicine Center of Excellence, King Faisal Specialist Hospital and Research Centre
Classification: Likely pathogenic for Episodic kinesigenic dyskinesia 1. Last evaluated: 2025-09-10. Review status: criteria provided, single submitter. Criteria: ACMG Guidelines, 2015. Collection method: clinical testing. Allele origin: germline.

Labcorp Genetics (formerly Invitae), Labcorp
Classification: Uncertain significance. Last evaluated: 2024-08-20. Review status: criteria provided, single submitter. Criteria: Invitae Variant Classification Sherloc (09022015). Collection method: clinical testing. Allele origin: germline.
Comment: This sequence change replaces glutamic acid, which is acidic and polar, with lysine, which is basic and polar, at codon 240 of the CREB3L3 protein (p.Glu240Lys). This variant is present in population databases (rs778428363, gnomAD 0.01%). This missense change has been observed in individual(s) with clinical features of hypertriglyceridemia (PMID: 21666694, 31619059, 32041611, 36325899). ClinVar contains an entry for this variant (Variation ID: 917849). Invitae Evidence Modeling of protein sequence and biophysical properties (such as structural, functional, and spatial information, amino acid conservation, physicochemical variation, residue mobility, and thermodynamic stability) indicates that this missense variant is expected to disrupt CREB3L3 protein function with a positive predictive value of 80%. Experimental studies have shown that this missense change affects CREB3L3 function (PMID: 21666694). In summary, the available evidence is currently insufficient to determine the role of this variant in disease. Therefore, it has been classified as a Variant of Uncertain Significance.

AiLife Diagnostics
Classification: Likely pathogenic. Last evaluated: 2021-12-26. Review status: criteria provided, single submitter. Criteria: ACMG Guidelines, 2015. Collection method: clinical testing. Allele origin: germline. Affected: yes. Observed: 2 variant alleles.

GBinsight Genetic Testing by GB HealthWatch, Genben Lifesciences Corporation
Classification: Likely pathogenic for Familial hypertriglyceridemia. Last evaluated: 2020-05-27. Review status: criteria provided, single submitter. Criteria: ACMG Guidelines, 2015. Collection method: clinical testing. Allele origin: germline. Inheritance: Autosomal dominant inheritance. Affected: yes. Observed: 1 heterozygote.
Comment: Clinical genetic testing identified heterozygosity for the p.Glu240Lys (NM_032607.3:c.718G>A) genetic variant in the the germline. The pathogenicity of this variant is supported by several publications that have demonstrated that this variant is a loss-of-function and is a cause of severe hypertriglyceridemia.

Literature cited by the submitters: PubMed 21666694 (cited by Labcorp Genetics (formerly Invitae), Labcorp and AiLife Diagnostics); PubMed 31619059 (cited by Labcorp Genetics (formerly Invitae), Labcorp and AiLife Diagnostics); PubMed 32041611 (cited by Labcorp Genetics (formerly Invitae), Labcorp and AiLife Diagnostics); PubMed 36325899 (cited by Labcorp Genetics (formerly Invitae), Labcorp).

NM_032607.3(CREB3L3):c.718G>A (p.Glu240Lys)

Gene: CREB3L3 (cAMP responsive element binding protein 3 like 3; plus strand). Cytogenetic location: 19p13.3.
Variant type: single nucleotide variant.
Coding change: c.718G>A on transcript NM_032607.3 (MANE Select); coding-DNA position 718, G replaced by A.
Protein change: p.Glu240Lys; replaces glutamic acid 240 with lysine.
Molecular consequence: missense variant. On other transcripts: intron variant (1).
Genome position (GRCh38, 1-based): chr19:4,168,354, G>A. VCF-style: chr19-4168354-G-A. GRCh37 (hg19) VCF-style: chr19-4168351-G-A.
Other names: c.715G>A, p.Glu239Lys (NM_001271995.2); c.712G>A, p.Glu238Lys (NM_001271996.2); c.715-1786G>A (NM_001271997.2); short protein forms E238K, E240K, E239K.
Identifiers: ClinVar variation 917849 (VCV000917849.7), dbSNP rs778428363, ClinGen allele CA9091446.